The following is an entry in ClinVar:

ClinVar aggregate classification (germline): Uncertain significance (1 of 4 stars; one submission).

Conditions:
ATRX-related disorder. Also called: ATRX-related condition.

Submission:

PreventionGenetics, part of Exact Sciences
Classification: Uncertain significance for ATRX-related condition. Last evaluated: 2025-07-02. Review status: criteria provided, single submitter. Criteria: ACMG Guidelines, 2015. Collection method: clinical testing. Allele origin: germline.
Comment: The ATRX c.352A>G variant is predicted to result in the amino acid substitution p.Met118Val. To our knowledge, this variant has not been reported in the literature or in a large population database (gnomAD), indicating this variant is rare. At this time, the clinical significance of this variant is uncertain due to the absence of conclusive functional and genetic evidence.

NM_000489.6(ATRX):c.352A>G (p.Met118Val)

Gene: ATRX (ATRX chromatin remodeler; minus strand). Cytogenetic location: Xq21.1.
Variant type: single nucleotide variant.
Coding change: c.352A>G on transcript NM_000489.6 (MANE Select); coding-DNA position 352, A replaced by G.
Protein change: p.Met118Val; replaces methionine 118 with valine.
Molecular consequence: missense variant.
Genome position (GRCh38, 1-based): chrX:77,696,595, T>C on the plus strand (A>G on the coding strand, the complement: ATRX is on the minus strand). VCF-style: chrX-77696595-T-C. GRCh37 (hg19) VCF-style: chrX-76952083-T-C.
Other names: c.352A>G, p.Met118Val (NM_138270.5); short protein forms M118V.
Identifiers: ClinVar variation 5000086 (VCV005000086.1).